The following is an entry in ClinVar:

NM_000059.4(BRCA2):c.918dup (p.Ser307Ter)

Gene: BRCA2 (BRCA2 DNA repair associated; plus strand). Cytogenetic location: 13q13.1.
Variant type: Duplication.
Coding change: c.918dup on transcript NM_000059.4 (MANE Select); coding-DNA position 918, one base duplicated (T; older notation c.918dupT).
Protein change: p.Ser307Ter; replaces serine 307 with a stop codon.
Molecular consequence: nonsense.
Genome position (GRCh38, 1-based): chr13:32,332,396, T duplicated. VCF-style (leftmost placement, unchanged base first): chr13-32332395-A-AT. GRCh37 (hg19) VCF-style: chr13-32906532-A-AT.
Other names: 1146insT-ter307; c.918dupT (NM_000059.3); short protein forms S307*.
Identifiers: ClinVar variation 52771 (VCV000052771.7), dbSNP rs397508039, ClinGen allele CA026021.

ClinVar aggregate classification (germline): Pathogenic. Review status: reviewed by expert panel (3 of 4 stars). 2 submissions from 2 submitters: Pathogenic (1). 1 of the submissions does not count toward it. Last evaluated 2016-10-18.

Conditions:
Breast-ovarian cancer, familial, susceptibility to, 2 (BROVCA2). Also called: BRCA2 Hereditary Breast and Ovarian Cancer. Identifiers: Orphanet 145, MedGen C2675520, MONDO:0012933, OMIM 612555. Disease mechanism: loss of function.

Submissions (2):

Evidence-based Network for the Interpretation of Germline Mutant Alleles (ENIGMA)
Classification: Pathogenic for Breast-ovarian cancer, familial, susceptibility to, 2. Last evaluated: 2016-10-18. Review status: reviewed by expert panel. Criteria: ENIGMA BRCA1/2 Classification Criteria (2015). Collection method: curation. Allele origin: germline.
Comment: Variant allele predicted to encode a truncated non-functional protein.

Consortium of Investigators of Modifiers of BRCA1/2 (CIMBA), c/o University of Cambridge
Classification: Pathogenic for Breast-ovarian cancer, familial, susceptibility to, 2. Last evaluated: 2015-10-02. Review status: criteria provided, single submitter. Criteria: CIMBA Mutation Classification guidelines May 2016. Collection method: clinical testing. Allele origin: germline. Not counted in ClinVar's aggregate classification.